The following is an entry in ClinVar:

ClinVar aggregate classification (germline): Likely benign. Review status: criteria provided, multiple submitters, no conflicts (2 of 4 stars). 5 submissions from 5 submitters: Likely benign (4). 1 of the submissions does not count toward it. Last evaluated 2025-08-10.

Conditions:
NF2-related disorder. Also called: NF2-related condition.
Hereditary cancer-predisposing syndrome. Also called: Tumor predisposition; Hereditary neoplastic syndrome; Neoplastic Syndromes, Hereditary; Hereditary Cancer Syndrome. Identifiers: Orphanet 140162, MedGen C0027672, MeSH D009386, MONDO:0015356.
Neurofibromatosis, type 2 (SWNV). Also called: NF2-Related Schwannomatosis; BILATERAL ACOUSTIC NEUROFIBROMATOSIS; SCHWANNOMATOSIS, VESTIBULAR. Identifiers: Orphanet 637, MedGen C0027832, MONDO:0007039, OMIM 101000. Disease mechanism: loss of function.

Allele frequency attached by ClinVar (database versions not stated): gnomAD 0.00001; ExAC 0.00002; gnomAD exomes 0.00002 and 0.00005; TOPMed 0.00002; ESP Exome Variant Server 0.00008.
gnomAD v4.1: 68 of 1,613,750 alleles (0.0042%); highest among the groups gnomAD compares: South Asian, 0.0066%; no homozygotes.

Submissions (5):

Labcorp Genetics (formerly Invitae), Labcorp
Classification: Likely benign for Neurofibromatosis, type 2. Last evaluated: 2025-08-10. Review status: criteria provided, single submitter. Criteria: Invitae Variant Classification Sherloc (09022015). Collection method: clinical testing. Allele origin: germline.

Color Diagnostics, LLC DBA Color Health
Classification: Likely benign for Neurofibromatosis, type 2. Last evaluated: 2022-11-06. Review status: criteria provided, single submitter. Criteria: ACMG Guidelines, 2015. Collection method: clinical testing. Allele origin: germline.

Athena Diagnostics
Classification: Likely benign. Last evaluated: 2020-09-14. Review status: criteria provided, single submitter. Criteria: Athena Diagnostics criteria. Collection method: clinical testing. Allele origin: unknown.

Ambry Genetics
Classification: Likely benign for Hereditary cancer-predisposing syndrome. Last evaluated: 2019-07-22. Review status: criteria provided, single submitter. Criteria: Ambry Variant Classification Scheme 2023. Collection method: clinical testing. Allele origin: germline.

PreventionGenetics, part of Exact Sciences
Classification: Likely benign for NF2-related condition. Last evaluated: 2022-03-07. Review status: no assertion criteria provided. Collection method: clinical testing. Allele origin: germline. Not counted in ClinVar's aggregate classification.
Comment: This variant is classified as likely benign based on ACMG/AMP sequence variant interpretation guidelines (Richards et al. 2015 PMID: 25741868, with internal and published modifications).

NM_000268.4(NF2):c.543G>A (p.Pro181=)

Gene: NF2 (NF2, moesin-ezrin-radixin like (MERLIN) tumor suppressor; plus strand). Cytogenetic location: 22q12.2.
Variant type: single nucleotide variant.
Coding change: c.543G>A on transcript NM_000268.4 (MANE Select); coding-DNA position 543, G replaced by A.
Protein change: p.Pro181=; no amino-acid change (proline 181 retained).
Molecular consequence: synonymous variant. On other transcripts: non-coding transcript variant (1), intron variant (1).
Genome position (GRCh38, 1-based): chr22:29,655,620, G>A. VCF-style: chr22-29655620-G-A. GRCh37 (hg19) VCF-style: chr22-30051609-G-A.
Other names: c.543G>A, p.Pro181= (NM_016418.5, NM_181825.3, NM_181832.3); c.543G>A (NM_181832.2); c.417G>A, p.Pro139= (NM_181828.3); c.420G>A, p.Pro140= (NM_181829.3); c.294G>A, p.Pro98= (NM_181830.3, NM_181831.3); c.447+13335G>A (NM_181833.3).
Identifiers: ClinVar variation 527719 (VCV000527719.19), dbSNP rs139838280, ClinGen allele CA034056.
Genomic context (GRCh38, chr22:29,655,620, plus strand): 5'-TGTAGGTTTTTTATTTTGCTCTATTTTTTGGTAGGTAATAAATCTGTATCAGATGACTCC[G>A]GAAATGTGGGAGGAGAGAATTACTGCTTGGTACGCAGAGCACCGAGGCCGAGCCAGGTGA-3'
Protein context (NP_000259.1, residues 171-191): KRVINLYQMT[Pro181=]EMWEERITAW